The following is an entry in ClinVar:

NM_001845.6(COL4A1):c.441+1G>A

Gene: COL4A1 (collagen type IV alpha 1 chain; minus strand). Cytogenetic location: 13q34.
Variant type: single nucleotide variant.
Coding change: c.441+1G>A on transcript NM_001845.6 (MANE Select); the canonical splice donor site of the intron after coding-DNA position 441, G replaced by A.
Molecular consequence: splice donor variant.
Genome position (GRCh38, 1-based): chr13:110,211,868, C>T on the plus strand (G>A on the coding strand, the complement: COL4A1 is on the minus strand). VCF-style: chr13-110211868-C-T. GRCh37 (hg19) VCF-style: chr13-110864215-C-T.
Other names: NC_000013.10:g.110864215C>T; c.441+1G>A (NM_001303110.2).
Identifiers: ClinVar variation 1675531 (VCV001675531.34), dbSNP rs1445318211, ClinGen allele CA388726165.

ClinVar aggregate classification (germline): Uncertain significance (1 of 4 stars; one submission).

Allele frequency attached by ClinVar (database versions not stated): gnomAD exomes below 0.00001; gnomAD 0.00001.
gnomAD v4.1: 3 of 1,613,998 alleles (0.00019%); highest among the groups gnomAD compares: Non-Finnish European, 0.00017%; no homozygotes.

Submissions (2):

CeGaT Center for Human Genetics Tuebingen
Classification: Uncertain significance. Last evaluated: 2022-03-01. Review status: criteria provided, single submitter. Criteria: CeGaT Center For Human Genetics Tuebingen Variant Classification Criteria Version 2. Collection method: clinical testing. Allele origin: germline. Affected: yes. Observed: 1 variant allele.
Comment: COL4A1: PM2, PVS1:Moderate

Dr. Peter K. Rogan Lab, Western University
No classification provided (evidence only). Condition: Thyroid cancer, nonmedullary, 1. Review status: no classification provided. Collection method: in vitro. Allele origin: not applicable. Functional consequence: retained intron. Not counted in ClinVar's aggregate classification.